The following is an entry in ClinVar:

NM_001145358.2(SIN3A):c.500G>A (p.Arg167His)

Gene: SIN3A (SIN3 transcription regulator family member A; minus strand). Cytogenetic location: 15q24.2.
Variant type: single nucleotide variant.
Coding change: c.500G>A on transcript NM_001145358.2 (MANE Select); coding-DNA position 500, G replaced by A.
Protein change: p.Arg167His; replaces arginine 167 with histidine.
Molecular consequence: missense variant.
Genome position (GRCh38, 1-based): chr15:75,413,019, C>T on the plus strand (G>A on the coding strand, the complement: SIN3A is on the minus strand). VCF-style: chr15-75413019-C-T. GRCh37 (hg19) VCF-style: chr15-75705360-C-T.
Other names: c.500G>A, p.Arg167His (NM_001145357.2, NM_015477.3); short protein forms R167H.
Identifiers: ClinVar variation 3630948 (VCV003630948.2).

ClinVar aggregate classification (germline): Uncertain significance (1 of 4 stars; one submission).

gnomAD v4.1: 1 of 1,613,266 alleles (0.000062%); highest among the groups gnomAD compares: African/African-American, 0.0013%; no homozygotes.

Submission:

Labcorp Genetics (formerly Invitae), Labcorp
Classification: Uncertain significance. Last evaluated: 2024-09-10. Review status: criteria provided, single submitter. Criteria: Invitae Variant Classification Sherloc (09022015). Collection method: clinical testing. Allele origin: germline.
Comment: This sequence change replaces arginine, which is basic and polar, with histidine, which is basic and polar, at codon 167 of the SIN3A protein (p.Arg167His). This variant is not present in population databases (gnomAD no frequency). This variant has not been reported in the literature in individuals affected with SIN3A-related conditions. Invitae Evidence Modeling of protein sequence and biophysical properties (such as structural, functional, and spatial information, amino acid conservation, physicochemical variation, residue mobility, and thermodynamic stability) has been performed for this missense variant. However, the output from this modeling did not meet the statistical confidence thresholds required to predict the impact of this variant on SIN3A protein function. In summary, the available evidence is currently insufficient to determine the role of this variant in disease. Therefore, it has been classified as a Variant of Uncertain Significance.